The following is an entry in ClinVar:

NM_002972.4(SBF1):c.2848C>T (p.Gln950Ter)

Gene: SBF1 (SET binding factor 1; minus strand). Cytogenetic location: 22q13.33.
Variant type: single nucleotide variant.
Coding change: c.2848C>T on transcript NM_002972.4 (MANE Select); coding-DNA position 2848, C replaced by T.
Protein change: p.Gln950Ter; replaces glutamine 950 with a stop codon.
Molecular consequence: nonsense.
Genome position (GRCh38, 1-based): chr22:50,461,278, G>A on the plus strand (C>T on the coding strand, the complement: SBF1 is on the minus strand). VCF-style: chr22-50461278-G-A. GRCh37 (hg19) VCF-style: chr22-50899707-G-A.
Other names: c.2851C>T, p.Gln951Ter (NM_001365819.1); short protein forms Q951*, Q950*.
Identifiers: ClinVar variation 1456060 (VCV001456060.6), dbSNP rs1556425186, ClinGen allele CA412208214.

ClinVar aggregate classification (germline): Pathogenic (1 of 4 stars; one submission).

Allele frequency attached by ClinVar (database versions not stated): gnomAD exomes below 0.00001; TOPMed below 0.00001.
gnomAD v4.1: 1 of 1,597,666 alleles (0.000063%); highest among the groups gnomAD compares: Non-Finnish European, 0.000085%; no homozygotes.

Submission:

Labcorp Genetics (formerly Invitae), Labcorp
Classification: Pathogenic. Last evaluated: 2021-11-05. Review status: criteria provided, single submitter. Criteria: Invitae Variant Classification Sherloc (09022015). Collection method: clinical testing. Allele origin: germline.
Comment: For these reasons, this variant has been classified as Pathogenic. Algorithms developed to predict the effect of sequence changes on RNA splicing suggest that this variant may create or strengthen a splice site. This variant has not been reported in the literature in individuals affected with SBF1-related conditions. This variant is not present in population databases (gnomAD no frequency). This sequence change creates a premature translational stop signal (p.Gln950*) in the SBF1 gene. It is expected to result in an absent or disrupted protein product. Loss-of-function variants in SBF1 are known to be pathogenic (PMID: 28005197, 28902413).

Literature cited by the submitters: PubMed 28005197; PubMed 28902413.